The following is an entry in ClinVar:

NM_002497.4(NEK2):c.862C>T (p.Arg288Ter)

Gene: NEK2 (NIMA related kinase 2; minus strand). Cytogenetic location: 1q32.3.
Variant type: single nucleotide variant.
Coding change: c.862C>T on transcript NM_002497.4 (MANE Select); coding-DNA position 862, C replaced by T.
Protein change: p.Arg288Ter; replaces arginine 288 with a stop codon.
Molecular consequence: nonsense.
Genome position (GRCh38, 1-based): chr1:211,669,236, G>A on the plus strand (C>T on the coding strand, the complement: NEK2 is on the minus strand). VCF-style: chr1-211669236-G-A. GRCh37 (hg19) VCF-style: chr1-211842578-G-A.
Other names: c.862C>T, p.Arg288Ter (NM_001204182.2, NM_001204183.2); short protein forms R288*.
Identifiers: ClinVar variation 1422548 (VCV001422548.6), dbSNP rs533767848, ClinGen allele CA1381577.

ClinVar aggregate classification (germline): Uncertain significance (1 of 4 stars; one submission).

Allele frequency attached by ClinVar (database versions not stated): ExAC 0.00001; TOPMed 0.00002; gnomAD 0.00003 and 0.00004.
gnomAD v4.1: 8 of 1,613,862 alleles (0.0005%); highest among the groups gnomAD compares: African/African-American, 0.0027%; no homozygotes.

Submission:

Labcorp Genetics (formerly Invitae), Labcorp
Classification: Uncertain significance. Last evaluated: 2021-12-06. Review status: criteria provided, single submitter. Criteria: Invitae Variant Classification Sherloc (09022015). Collection method: clinical testing. Allele origin: germline.
Comment: This sequence change creates a premature translational stop signal (p.Arg288*) in the NEK2 gene. It is expected to result in an absent or disrupted protein product. However, the current clinical and genetic evidence is not sufficient to establish whether loss-of-function variants in NEK2 cause disease. This variant is present in population databases (rs533767848, gnomAD 0.0009%). This variant has not been reported in the literature in individuals affected with NEK2-related conditions. Algorithms developed to predict the effect of sequence changes on RNA splicing suggest that this variant may create or strengthen a splice site. In summary, the available evidence is currently insufficient to determine the role of this variant in disease. Therefore, it has been classified as a Variant of Uncertain Significance.